The following is an entry in ClinVar:

ClinVar aggregate classification (germline): Uncertain significance (1 of 4 stars; one submission).

Conditions:
Focal segmental glomerulosclerosis 5 (FSGS5). Identifiers: Orphanet 656, MedGen C2750475, MONDO:0013191, OMIM 613237.
Charcot-Marie-Tooth disease dominant intermediate E. Also called: CHARCOT-MARIE-TOOTH NEUROPATHY WITH FOCAL SEGMENTAL GLOMERULONEPHRITIS. Identifiers: Orphanet 93114, MedGen C4302667, MONDO:0013758, OMIM 614455.

Submission:

Labcorp Genetics (formerly Invitae), Labcorp
Classification: Uncertain significance for Charcot-Marie-Tooth disease dominant intermediate E; Focal segmental glomerulosclerosis 5. Last evaluated: 2023-07-21. Review status: criteria provided, single submitter. Criteria: Invitae Variant Classification Sherloc (09022015). Collection method: clinical testing. Allele origin: germline.
Comment: This variant has not been reported in the literature in individuals affected with INF2-related conditions. In summary, the available evidence is currently insufficient to determine the role of this variant in disease. Therefore, it has been classified as a Variant of Uncertain Significance. Algorithms developed to predict the effect of sequence changes on RNA splicing suggest that this variant may disrupt the consensus splice site. This variant is not present in population databases (gnomAD no frequency). This sequence change creates a premature translational stop signal (p.Arg261*) in the INF2 gene. It is expected to result in an absent or disrupted protein product. However, the current clinical and genetic evidence is not sufficient to establish whether loss-of-function variants in INF2 cause disease.

NM_022489.4(INF2):c.781C>T (p.Arg261Ter)

Gene: INF2 (inverted formin 2; plus strand). Cytogenetic location: 14q32.33.
Variant type: single nucleotide variant.
Coding change: c.781C>T on transcript NM_022489.4 (MANE Select); coding-DNA position 781, C replaced by T.
Protein change: p.Arg261Ter; replaces arginine 261 with a stop codon.
Molecular consequence: nonsense.
Genome position (GRCh38, 1-based): chr14:104,706,114, C>T. VCF-style: chr14-104706114-C-T. GRCh37 (hg19) VCF-style: chr14-105172451-C-T.
Other names: c.781C>T, p.Arg261Ter (NM_001031714.4, NM_001426862.1, NM_001426863.1 and 2 more transcripts); short protein forms R261*.
Identifiers: ClinVar variation 2929618 (VCV002929618.3), dbSNP rs371266809, ClinGen allele CA391214046.